The following is an entry in ClinVar:

NM_015015.3(KDM4B):c.1184C>T (p.Thr395Met)

Gene: KDM4B (lysine demethylase 4B; plus strand). Cytogenetic location: 19p13.3.
Variant type: single nucleotide variant.
Coding change: c.1184C>T on transcript NM_015015.3 (MANE Select); coding-DNA position 1184, C replaced by T.
Protein change: p.Thr395Met; replaces threonine 395 with methionine.
Molecular consequence: missense variant.
Genome position (GRCh38, 1-based): chr19:5,119,721, C>T. VCF-style: chr19-5119721-C-T. GRCh37 (hg19) VCF-style: chr19-5119732-C-T.
Other names: c.1286C>T, p.Thr429Met (NM_001411148.1); short protein forms T395M, T429M.
Identifiers: ClinVar variation 3031276 (VCV003031276.3), dbSNP rs374489612, ClinGen allele CA9107765.

ClinVar aggregate classification (germline): Uncertain significance. Review status: criteria provided, single submitter (1 of 4 stars). 2 submissions from 2 submitters: Uncertain significance (1). 1 of the submissions does not count toward it. Last evaluated 2025-09-29.

Conditions:
KDM4B-related disorder. Also called: KDM4B-related condition.
Inborn genetic diseases. Identifiers: MedGen C0950123, MeSH D030342.

Allele frequency attached by ClinVar (database versions not stated): TOPMed 0.00013; ESP Exome Variant Server 0.00016; gnomAD exomes 0.00002; 1000 Genomes Project 0.00040; gnomAD 0.00012; ExAC 0.00021; 1000 Genomes Project 30x 0.00047.

Submissions (2):

Ambry Genetics
Classification: Uncertain significance for Inborn genetic diseases. Last evaluated: 2025-09-29. Review status: criteria provided, single submitter. Criteria: Ambry Variant Classification Scheme 2023. Collection method: clinical testing. Allele origin: germline.

PreventionGenetics, part of Exact Sciences
Classification: Likely benign for KDM4B-related condition. Last evaluated: 2023-06-06. Review status: no assertion criteria provided. Collection method: clinical testing. Allele origin: germline. Not counted in ClinVar's aggregate classification.
Comment: This variant is classified as likely benign based on ACMG/AMP sequence variant interpretation guidelines (Richards et al. 2015 PMID: 25741868, with internal and published modifications).